The following is an entry in ClinVar:

ClinVar aggregate classification (germline): Uncertain significance. Review status: criteria provided, multiple submitters, no conflicts (2 of 4 stars). 10 submissions from 10 submitters: Uncertain significance (10). Last evaluated 2026-01-19.

Conditions:
Hereditary breast ovarian cancer syndrome. Also called: Breast and ovarian cancer; Hereditary breast and ovarian cancer syndrome; Hereditary breast and ovarian cancer; BRCA1- and BRCA2-Associated Hereditary Breast and Ovarian Cancer; Hereditary breast and ovarian cancer syndrome (HBOC); Hereditary breast and/or ovarian cancer syndrome. Identifiers: Orphanet 145, MedGen C0677776, MeSH D061325, MONDO:0003582. Disease mechanism: loss of function.
Li-Fraumeni syndrome (LFS). Also called: Sarcoma family syndrome of Li and Fraumeni. Identifiers: Orphanet 524, MedGen C0085390, MONDO:0018875.
Familial colorectal cancer type X. Identifiers: Orphanet 440437, MedGen C3896578, MONDO:0018604.
Predisposition to cancer.
Hereditary cancer-predisposing syndrome. Also called: Tumor predisposition; Hereditary Cancer Syndrome; Hereditary neoplastic syndrome; Neoplastic Syndromes, Hereditary. Identifiers: Orphanet 140162, MedGen C0027672, MeSH D009386, MONDO:0015356.
Familial cancer of breast. Also called: BREAST CANCER, FAMILIAL; hereditary breast carcinoma; Hereditary breast cancer. Identifiers: Orphanet 227535, MedGen C0346153, MONDO:0016419, OMIM 114480. Disease mechanism: loss of function.

Allele frequency attached by ClinVar (database versions not stated): gnomAD 0.00002; TOPMed 0.00003.
gnomAD v4.1: 16 of 1,595,944 alleles (0.001%); highest among the groups gnomAD compares: Admixed American, 0.0033%; no homozygotes.

Submissions (10):

Labcorp Genetics (formerly Invitae), Labcorp
Classification: Uncertain significance for Familial cancer of breast. Last evaluated: 2026-01-19. Review status: criteria provided, single submitter. Criteria: Invitae Variant Classification Sherloc (09022015). Collection method: clinical testing. Allele origin: germline.
Comment: This sequence change replaces arginine, which is basic and polar, with glutamine, which is neutral and polar, at codon 521 of the CHEK2 protein (p.Arg521Gln). The frequency data for this variant in the population databases is considered unreliable, as metrics indicate poor data quality at this position in the gnomAD database. This variant has not been reported in the literature in individuals affected with CHEK2-related conditions. ClinVar contains an entry for this variant (Variation ID: 185219). An algorithm developed to predict the effect of missense changes on protein structure and function (PolyPhen-2) suggests that this variant is likely to be tolerated. Experimental studies are conflicting or provide insufficient evidence to determine the effect of this variant on CHEK2 function (PMID: 37449874, 39146382). In summary, the available evidence is currently insufficient to determine the role of this variant in disease. Therefore, it has been classified as a Variant of Uncertain Significance.

Molecular Pathology, Peter Maccallum Cancer Centre
Classification: Uncertain significance for Familial cancer of breast. Last evaluated: 2025-03-06. Review status: criteria provided, single submitter. Criteria: ACMG Guidelines, 2015. Collection method: clinical testing. Allele origin: germline. Inheritance: Autosomal dominant inheritance.

Ambry Genetics
Classification: Uncertain significance for Hereditary cancer-predisposing syndrome. Last evaluated: 2024-10-30. Review status: criteria provided, single submitter. Criteria: Ambry Variant Classification Scheme 2023. Collection method: clinical testing. Allele origin: germline.
Comment: The p.R521Q variant (also known as c.1562G>A), located in coding exon 14 of the CHEK2 gene, results from a G to A substitution at nucleotide position 1562. The arginine at codon 521 is replaced by glutamine, an amino acid with highly similar properties. This variant showed conflicting functional results in a study assessing CHEK2-complementation through quantification of KAP1 phosphorylation and CHK2 autophosphorylation in human RPE1-CHEK2-knockout cells (Stolarova L et al. Clin Cancer Res, 2023 Aug;29:3037-3050). This alteration was not observed in 7051 unselected female breast cancer patients or 53 unselected male breast cancer patients but was observed in 4/11241 female controls and 1/12490 male controls of Japanese ancestry (Momozawa Y et al. Nat Commun, 2018 10;9:4083). This alteration has also been reported with a carrier frequency of 0.00013 in 7636 unselected prostate cancer patients and 0.00008 in 12366 male controls of Japanese ancestry (Momozawa Y et al. J Natl Cancer Inst, 2020 04;112:369-376). This amino acid position is highly conserved in available vertebrate species. In addition, this alteration is predicted to be tolerated by in silico analysis. Based on the available evidence, the clinical significance of this variant remains unclear.

GeneDx
Classification: Uncertain significance. Last evaluated: 2024-07-12. Review status: criteria provided, single submitter. Criteria: GeneDx Variant Classification Process June 2021. Collection method: clinical testing. Allele origin: germline. Affected: yes.
Comment: Not observed at significant frequency in large population cohorts (gnomAD); In silico analysis indicates that this missense variant does not alter protein structure/function; This variant is associated with the following publications: (PMID: 25428177, 31214711, 32906215, 36243179, 30287823)

Women's Health and Genetics/Laboratory Corporation of America, LabCorp
Classification: Uncertain significance. Last evaluated: 2023-07-31. Review status: criteria provided, single submitter. Criteria: LabCorp Variant Classification Summary - May 2015. Collection method: clinical testing. Allele origin: germline.
Comment: Variant summary: CHEK2 c.1562G>A (p.Arg521Gln) results in a conservative amino acid change in the encoded protein sequence. Three of five in-silico tools predict a damaging effect of the variant on protein function. The variant was absent in 233296 control chromosomes. The available data on variant occurrences in the general population are insufficient to allow any conclusion about variant significance. c.1562G>A has been reported in the literature in individuals affected with Hereditary Breast And/or Ovarian Cancer without strong evidence for causality (examples: Vargas-Parra_2020, Dorling_2021) and unaffected controls (Momozawa_2018). These report(s) do not provide unequivocal conclusions about association of the variant with Hereditary Breast And Ovarian Cancer Syndrome. To our knowledge, no experimental evidence demonstrating an impact on protein function has been reported. Six submitters have cited clinical-significance assessments for this variant to ClinVar after 2014. All submitters classified the variant as uncertain significance. Based on the evidence outlined above, the variant was classified as uncertain significance.

Color Diagnostics, LLC DBA Color Health
Classification: Uncertain significance for Hereditary cancer-predisposing syndrome. Last evaluated: 2022-12-23. Review status: criteria provided, single submitter. Criteria: ACMG Guidelines, 2015. Collection method: clinical testing. Allele origin: germline.
Comment: This missense variant replaces arginine with glutamine at codon 521 of the CHEK2 protein. Computational prediction suggests that this variant may not impact protein structure and function (internally defined REVEL score threshold <= 0.5, PMID: 27666373). To our knowledge, functional studies have not been reported for this variant. This variant has been reported in two individuals with breast cancer (PMID: 33471991), one individual with prostate cancer (PMID: 31214711) and ten individuals unaffected with cancer (PMID: 30287823, 31214711, 32980694). This variant has not been identified in the general population by the Genome Aggregation Database (gnomAD). The available evidence is insufficient to determine the role of this variant in disease conclusively. Therefore, this variant is classified as a Variant of Uncertain Significance.

St. Jude Molecular Pathology, St. Jude Children's Research Hospital
Classification: Uncertain significance for Predisposition to cancer. Last evaluated: 2022-05-24. Review status: criteria provided, single submitter. Criteria: St. Jude Assertion Criteria 2020. Collection method: clinical testing. Allele origin: germline.
Comment: The CHEK2 c.1562G>A (p.Arg521Gln) missense change is absent in gnomAD v2.1.1, however this data may be unreliable due to poor data quality at this location. It is predicted to have a benign effect on protein function (BP4), but to our knowledge this prediction has not been confirmed by functional studies. To our knowledge, this variant has not been reported in individuals with CHEK2-associated cancers. In summary, this variant meets criteria to be classified as of uncertain significance based on the ACMG/AMP criteria: BP4.

Department of Pathology and Laboratory Medicine, Sinai Health System
Classification: Uncertain significance for Hereditary breast ovarian cancer syndrome; Li-Fraumeni syndrome; Familial colorectal cancer type X. Last evaluated: 2021-10-19. Review status: criteria provided, single submitter. Criteria: ACMG Guidelines, 2015. Collection method: clinical testing. Allele origin: germline. Affected: yes.

Quest Diagnostics Nichols Institute San Juan Capistrano
Classification: Uncertain significance. Last evaluated: 2021-04-14. Review status: criteria provided, single submitter. Criteria: Quest Diagnostics criteria. Collection method: clinical testing. Allele origin: unknown.

Mendelics
Classification: Uncertain significance for Familial cancer of breast. Last evaluated: 2019-05-28. Review status: criteria provided, single submitter. Criteria: Mendelics Assertion Criteria 2017. Collection method: clinical testing. Allele origin: unknown.

Literature cited by the submitters: PubMed 37449874 (cited by Labcorp Genetics (formerly Invitae), Labcorp and Ambry Genetics); PubMed 39146382 (cited by Labcorp Genetics (formerly Invitae), Labcorp); PubMed 30287823 (cited by 4 submitters); PubMed 31214711 (cited by Ambry Genetics and Color Diagnostics, LLC DBA Color Health); PubMed 32906215 (cited by Women's Health and Genetics/Laboratory Corporation of America, LabCorp); PubMed 33471991 (cited by Women's Health and Genetics/Laboratory Corporation of America, LabCorp and Color Diagnostics, LLC DBA Color Health); PubMed 35245693 (cited by Women's Health and Genetics/Laboratory Corporation of America, LabCorp); PubMed 36243179 (cited by Women's Health and Genetics/Laboratory Corporation of America, LabCorp); PubMed 32980694 (cited by Color Diagnostics, LLC DBA Color Health).

NM_007194.4(CHEK2):c.1562G>A (p.Arg521Gln)

Gene: CHEK2 (checkpoint kinase 2; minus strand). Cytogenetic location: 22q12.1.
Variant type: single nucleotide variant.
Coding change: c.1562G>A on transcript NM_007194.4 (MANE Select); coding-DNA position 1562, G replaced by A.
Protein change: p.Arg521Gln; replaces arginine 521 with glutamine.
Molecular consequence: missense variant.
Genome position (GRCh38, 1-based): chr22:28,687,967, C>T on the plus strand (G>A on the coding strand, the complement: CHEK2 is on the minus strand). VCF-style: chr22-28687967-C-T. GRCh37 (hg19) VCF-style: chr22-29083955-C-T.
Other names: c.1475G>A, p.Arg492Gln (NM_145862.3); c.1691G>A, p.Arg564Gln (NM_001005735.3); c.899G>A, p.Arg300Gln (NM_001257387.3); c.1361G>A, p.Arg454Gln (NM_001349956.3); short protein forms R521Q, R492Q, R454Q, R564Q, R300Q.
Identifiers: ClinVar variation 185219 (VCV000185219.34), dbSNP rs373959274, ClinGen allele CA191363.